The following is an entry in ClinVar:

ClinVar aggregate classification (germline): Likely benign (0 of 4 stars; one submission).

Conditions:
EP300-related disorder. Also called: EP300-related disorders; EP300-related condition.

Allele frequency attached by ClinVar (database versions not stated): TOPMed below 0.00001; gnomAD 0.00001; gnomAD exomes 0.00001.
gnomAD v4.1: 9 of 1,613,930 alleles (0.00056%); highest among the groups gnomAD compares: South Asian, 0.0022%; no homozygotes.

Submission:

PreventionGenetics, part of Exact Sciences
Classification: Likely benign for EP300-related condition. Last evaluated: 2023-10-04. Review status: no assertion criteria provided. Collection method: clinical testing. Allele origin: germline.
Comment: This variant is classified as likely benign based on ACMG/AMP sequence variant interpretation guidelines (Richards et al. 2015 PMID: 25741868, with internal and published modifications).

NM_001429.4(EP300):c.1168+10C>T

Gene: EP300 (E1A binding protein p300; plus strand). Cytogenetic location: 22q13.2.
Variant type: single nucleotide variant.
Coding change: c.1168+10C>T on transcript NM_001429.4 (MANE Select); 10 bases into the intron after coding-DNA position 1168, C replaced by T.
Molecular consequence: intron variant.
Genome position (GRCh38, 1-based): chr22:41,127,758, C>T. VCF-style: chr22-41127758-C-T. GRCh37 (hg19) VCF-style: chr22-41523762-C-T.
Other names: c.1168+10C>T (NM_001362843.2).
Identifiers: ClinVar variation 3058027 (VCV003058027.2), dbSNP rs1335272236, ClinGen allele CA639825635.